The following is an entry in ClinVar:

NM_001370595.2(COA8):c.-26C>A

Gene: COA8 (cytochrome c oxidase assembly factor 8; plus strand). Cytogenetic location: 14q32.33.
Variant type: single nucleotide variant.
Coding change: c.-26C>A on transcript NM_001370595.2 (MANE Select); 26 bases upstream of the start codon, C replaced by A.
Molecular consequence: 5 prime UTR variant. On other transcripts: missense variant (1), non-coding transcript variant (2).
Genome position (GRCh38, 1-based): chr14:103,562,976, C>A. VCF-style: chr14-103562976-C-A. GRCh37 (hg19) VCF-style: chr14-104029313-C-A.
Other names: c.-26C>A (NM_001302653.2, NM_001302654.2); c.14C>A, p.Ala5Asp (NM_032374.4); short protein forms A5D.
Identifiers: ClinVar variation 2083064 (VCV002083064.3), dbSNP rs779175774, ClinGen allele CA391111085.

ClinVar aggregate classification (germline): Uncertain significance (1 of 4 stars; one submission).

Allele frequency attached by ClinVar (database versions not stated): gnomAD exomes below 0.00001.
gnomAD v4.1: 1 of 1,522,464 alleles (0.000066%); highest among the groups gnomAD compares: Admixed American, 0.002%; no homozygotes.

Submission:

Labcorp Genetics (formerly Invitae), Labcorp
Classification: Uncertain significance. Last evaluated: 2024-10-21. Review status: criteria provided, single submitter. Criteria: Invitae Variant Classification Sherloc (09022015). Collection method: clinical testing. Allele origin: germline.
Comment: This sequence change replaces alanine, which is neutral and non-polar, with aspartic acid, which is acidic and polar, at codon 5 of the APOPT1 protein (p.Ala5Asp). The frequency data for this variant in the population databases is considered unreliable, as metrics indicate poor data quality at this position in the gnomAD database. This variant has not been reported in the literature in individuals affected with APOPT1-related conditions. ClinVar contains an entry for this variant (Variation ID: 2083064). An algorithm developed to predict the effect of missense changes on protein structure and function (PolyPhen-2) suggests that this variant¬†is likely to be tolerated. In summary, the available evidence is currently insufficient to determine the role of this variant in disease. Therefore, it has been classified as a Variant of Uncertain Significance.